The following is an entry in ClinVar:

NM_001330260.2(SCN8A):c.3738G>A (p.Glu1246=)

Gene: SCN8A (sodium voltage-gated channel alpha subunit 8; plus strand). Cytogenetic location: 12q13.13.
Variant type: single nucleotide variant.
Coding change: c.3738G>A on transcript NM_001330260.2 (MANE Select); coding-DNA position 3738, G replaced by A.
Protein change: p.Glu1246=; no amino-acid change (glutamic acid 1246 retained).
Molecular consequence: synonymous variant.
Genome position (GRCh38, 1-based): chr12:51,774,281, G>A. VCF-style: chr12-51774281-G-A. GRCh37 (hg19) VCF-style: chr12-52168065-G-A.
Other names: c.3738G>A, p.Glu1246= (NM_001177984.3, NM_001369788.1, NM_014191.4).
Identifiers: ClinVar variation 515594 (VCV000515594.13), dbSNP rs376953145, ClinGen allele CA6571672.
Genomic context (GRCh38, chr12:51,774,281, plus strand): 5'-GACCATCCGCACCATCCTGGAATATGCTGACAAAGTCTTCACCTATATCTTCATCCTGGA[G>A]ATGTTGCTCAAGTGGACAGCCTATGGCTTCGTCAAGTTCTTCACCAATGCCTGGTGTTGG-3'
Protein context (NP_001317189.1, residues 1236-1256): DKVFTYIFIL[Glu1246=]MLLKWTAYGF

ClinVar aggregate classification (germline): Likely benign. Review status: criteria provided, multiple submitters, no conflicts (2 of 4 stars). 3 submissions from 3 submitters: Likely benign (3). Last evaluated 2026-03-13.

Conditions:
Early-infantile DEE. Also called: Early infantile epileptic encephalopathy; Early infantile epileptic encephalopathy with suppression bursts; Ohtahara syndrome. Identifiers: Orphanet 1934, MedGen C0393706, MONDO:0800491.

Allele frequency attached by ClinVar (database versions not stated): gnomAD 0.00001; gnomAD exomes 0.00001; TOPMed 0.00001; ExAC 0.00002; ESP Exome Variant Server 0.00008.
gnomAD v4.1: 8 of 1,614,040 alleles (0.0005%); highest among the groups gnomAD compares: African/African-American, 0.0013%; no homozygotes.

Submissions (3):

Women's Health and Genetics/Laboratory Corporation of America, LabCorp
Classification: Likely benign. Last evaluated: 2026-03-13. Review status: criteria provided, single submitter. Criteria: LabCorp Variant Classification Summary - May 2015. Collection method: clinical testing. Allele origin: germline.

Labcorp Genetics (formerly Invitae), Labcorp
Classification: Likely benign for Early-infantile DEE. Last evaluated: 2024-02-05. Review status: criteria provided, single submitter. Criteria: Invitae Variant Classification Sherloc (09022015). Collection method: clinical testing. Allele origin: germline.

GeneDx
Classification: Likely benign. Last evaluated: 2018-02-22. Review status: criteria provided, single submitter. Criteria: GeneDx Variant Classification (06012015). Collection method: clinical testing. Allele origin: germline. Affected: yes.
Comment: This variant is considered likely benign or benign based on one or more of the following criteria: it is a conservative change, it occurs at a poorly conserved position in the protein, it is predicted to be benign by multiple in silico algorithms, and/or has population frequency not consistent with disease.